The following is an entry in ClinVar:

ClinVar aggregate classification (germline): Uncertain significance (1 of 4 stars; one submission).

gnomAD v4.1: 19 of 1,614,052 alleles (0.0012%); highest among the groups gnomAD compares: Non-Finnish European, 0.0016%; no homozygotes.

Submission:

Labcorp Genetics (formerly Invitae), Labcorp
Classification: Uncertain significance. Last evaluated: 2025-03-25. Review status: criteria provided, single submitter. Criteria: Invitae Variant Classification Sherloc (09022015). Collection method: clinical testing. Allele origin: germline.
Comment: This sequence change replaces phenylalanine, which is neutral and non-polar, with leucine, which is neutral and non-polar, at codon 38 of the RPL9 protein (p.Phe38Leu). This variant is present in population databases (rs147466054, gnomAD 0.004%). This variant has not been reported in the literature in individuals affected with RPL9-related conditions. ClinVar contains an entry for this variant (Variation ID: 2173358). An algorithm developed to predict the effect of missense changes on protein structure and function (PolyPhen-2) suggests that this variant is likely to be tolerated. In summary, the available evidence is currently insufficient to determine the role of this variant in disease. Therefore, it has been classified as a Variant of Uncertain Significance.

NM_000661.5(RPL9):c.114C>A (p.Phe38Leu)

Gene: RPL9 (ribosomal protein L9; minus strand). Cytogenetic location: 4p14.
Variant type: single nucleotide variant.
Coding change: c.114C>A on transcript NM_000661.5 (MANE Select); coding-DNA position 114, C replaced by A.
Protein change: p.Phe38Leu; replaces phenylalanine 38 with leucine.
Molecular consequence: missense variant.
Genome position (GRCh38, 1-based): chr4:39,458,242, G>T on the plus strand (C>A on the coding strand, the complement: RPL9 is on the minus strand). VCF-style: chr4-39458242-G-T. GRCh37 (hg19) VCF-style: chr4-39459862-G-T.
Other names: c.114C>A, p.Phe38Leu (NM_001024921.4); short protein forms F38L.
Identifiers: ClinVar variation 2173358 (VCV002173358.3), dbSNP rs147466054, ClinGen allele CA2894391.